The following is an entry in ClinVar:

NM_000618.5(IGF1):c.*5270T>G

Genes: IGF1 (insulin like growth factor 1; minus strand), LINC02456 (long intergenic non-protein coding RNA 2456; plus strand). Cytogenetic location: 12q23.2.
Variant type: single nucleotide variant.
Coding change: c.*5270T>G on transcript NM_000618.5 (MANE Select); 5270 bases downstream of the stop codon, T replaced by G.
Molecular consequence: 3 prime UTR variant.
Genome position (GRCh38, 1-based): chr12:102,397,237, A>C on the plus strand (T>G on the coding strand, the complement: IGF1 is on the minus strand). VCF-style: chr12-102397237-A-C. GRCh37 (hg19) VCF-style: chr12-102791015-A-C.
Other names: c.*5304T>G (NM_001111283.3); c.*5270T>G (NM_001111284.2).
Identifiers: ClinVar variation 306843 (VCV000306843.5), dbSNP rs6221, ClinGen allele CA10636186.

ClinVar aggregate classification (germline): Benign (1 of 4 stars; one submission).

Conditions:
Growth delay due to insulin-like growth factor type 1 deficiency (IGF1D). Also called: GROWTH RETARDATION WITH SENSORINEURAL DEAFNESS AND MENTAL RETARDATION; IGF1 DEFICIENCY. Identifiers: Orphanet 73272, MedGen C1837475, MONDO:0012110, OMIM 608747.

Allele frequency attached by ClinVar (database versions not stated): gnomAD exomes 0.00141; gnomAD 0.00828 and 0.00888; TOPMed 0.00949; 1000 Genomes Project 0.00998; 1000 Genomes Project 30x 0.01077.
gnomAD v4.1: 1,259 of 162,038 alleles (0.78%); highest among the groups gnomAD compares: African/African-American, 2.8%; 18 homozygotes.

Submission:

Illumina Laboratory Services, Illumina
Classification: Benign for Growth delay due to insulin-like growth factor type 1 deficiency. Last evaluated: 2018-01-12. Review status: criteria provided, single submitter. Criteria: ICSL Variant Classification Criteria 13 December 2019. Collection method: clinical testing. Allele origin: germline.
Comment: This variant was observed in the ICSL laboratory as part of a predisposition screen in an ostensibly healthy population. It had not been previously curated by ICSL or reported in the Human Gene Mutation Database (HGMD: prior to June 1st, 2018), and was therefore a candidate for classification through an automated scoring system. Utilizing variant allele frequency, disease prevalence and penetrance estimates, and inheritance mode, an automated score was calculated to assess if this variant is too frequent to cause the disease. Based on the score and internal cut-off values, a variant classified as benign is not then subjected to further curation. The score for this variant resulted in a classification of benign for this disease.